The following is an entry in ClinVar:

NM_024426.6(WT1):c.780G>T (p.Ser260=)

Gene: WT1 (WT1 transcription factor; minus strand). Cytogenetic location: 11p13.
Variant type: single nucleotide variant.
Coding change: c.780G>T on transcript NM_024426.6 (MANE Select); coding-DNA position 780, G replaced by T.
Protein change: p.Ser260=; no amino-acid change (serine 260 retained).
Molecular consequence: synonymous variant. On other transcripts: non-coding transcript variant (2), intron variant (2).
Genome position (GRCh38, 1-based): chr11:32,428,501, C>A on the plus strand (G>T on the coding strand, the complement: WT1 is on the minus strand). VCF-style: chr11-32428501-C-A. GRCh37 (hg19) VCF-style: chr11-32450047-C-A.
Other names: c.780G>T, p.Ser260= (NM_000378.6, NM_001407044.1, NM_001407045.1 and 4 more transcripts); c.129G>T, p.Ser43= (NM_001198551.2, NM_001198552.2); c.18G>T, p.Ser6= (NM_001407051.1); c.765G>T, p.Ser255= (NM_024425.2); c.662-443G>T (NM_001407050.1, NM_001407047.1); c.765G>T (NM_024426.4).
Identifiers: ClinVar variation 1113739 (VCV001113739.15), dbSNP rs1403311573, ClinGen allele CA473570149.

ClinVar aggregate classification (germline): Likely benign. Review status: criteria provided, multiple submitters, no conflicts (2 of 4 stars). 3 submissions from 3 submitters: Likely benign (3). Last evaluated 2026-03-01.

Conditions:
Wilms tumor 1 (WT1). Also called: Wilms tumor, somatic. Identifiers: Orphanet 654, MedGen CN033288, MONDO:0008679, OMIM 194070.
11p partial monosomy syndrome (WAGR). Also called: WAGR syndrome; CHROMOSOME 11p13 DELETION SYNDROME; WAGR Complex; WAGR Spectrum Disorder. Identifiers: Orphanet 893, MedGen C0206115, MONDO:0008681, OMIM 194072.
Drash syndrome (DDS). Also called: WILMS TUMOR AND PSEUDO- OR TRUE HERMAPHRODITISM; NEPHROPATHY, WILMS TUMOR, AND GENITAL ANOMALIES. Identifiers: Orphanet 220, MedGen C0950121, MONDO:0008682, OMIM 194080.
Frasier syndrome. Identifiers: Orphanet 347, MedGen C0950122, MeSH D052159, MONDO:0007635, OMIM 136680.
Inborn genetic diseases. Identifiers: MedGen C0950123, MeSH D030342.

Allele frequency attached by ClinVar (database versions not stated): gnomAD 0.00001.
gnomAD v4.1: 4 of 1,613,952 alleles (0.00025%); highest among the groups gnomAD compares: Non-Finnish European, 0.00034%; no homozygotes.

Submissions (3):

CeGaT Center for Human Genetics Tuebingen
Classification: Likely benign. Last evaluated: 2026-03-01. Review status: criteria provided, single submitter. Criteria: CeGaT Center For Human Genetics Tuebingen Variant Classification Criteria Version 2. Collection method: clinical testing. Allele origin: germline. Affected: yes. Observed: 1 variant allele.
Comment: WT1: BP4, BP7

Labcorp Genetics (formerly Invitae), Labcorp
Classification: Likely benign for Wilms tumor 1; Drash syndrome; 11p partial monosomy syndrome; Frasier syndrome. Last evaluated: 2025-12-10. Review status: criteria provided, single submitter. Criteria: Invitae Variant Classification Sherloc (09022015). Collection method: clinical testing. Allele origin: germline.

Ambry Genetics
Classification: Likely benign for Inborn genetic diseases. Last evaluated: 2025-04-24. Review status: criteria provided, single submitter. Criteria: Ambry Variant Classification Scheme 2023. Collection method: clinical testing. Allele origin: germline.